The following is an entry in ClinVar:

ClinVar aggregate classification (germline): Likely benign (1 of 4 stars; one submission).

Conditions:
PLXNA2-related disorder. Also called: PLXNA2-related condition.

gnomAD v4.1: 23 of 1,614,006 alleles (0.0014%); highest among the groups gnomAD compares: East Asian, 0.0022%; no homozygotes.

Submission:

PreventionGenetics, part of Exact Sciences
Classification: Likely benign for PLXNA2-related condition. Last evaluated: 2025-05-17. Review status: criteria provided, single submitter. Criteria: ACMG Guidelines, 2015. Collection method: clinical testing. Allele origin: germline.
Comment: This variant is classified as likely benign based on ACMG/AMP sequence variant interpretation guidelines (Richards et al. 2015 PMID: 25741868, with internal and published modifications).

NM_025179.4(PLXNA2):c.4689C>T (p.Val1563=)

Gene: PLXNA2 (plexin A2; minus strand). Cytogenetic location: 1q32.2.
Variant type: single nucleotide variant.
Coding change: c.4689C>T on transcript NM_025179.4 (MANE Select); coding-DNA position 4689, C replaced by T.
Protein change: p.Val1563=; no amino-acid change (valine 1563 retained).
Molecular consequence: synonymous variant.
Genome position (GRCh38, 1-based): chr1:208,038,446, G>A on the plus strand (C>T on the coding strand, the complement: PLXNA2 is on the minus strand). VCF-style: chr1-208038446-G-A. GRCh37 (hg19) VCF-style: chr1-208211791-G-A.
Identifiers: ClinVar variation 4987815 (VCV004987815.1).